The following is an entry in ClinVar:

NM_001844.5(COL2A1):c.166G>A (p.Val56Ile)

Gene: COL2A1 (collagen type II alpha 1 chain; minus strand). Cytogenetic location: 12q13.11.
Variant type: single nucleotide variant.
Coding change: c.166G>A on transcript NM_001844.5 (MANE Select); coding-DNA position 166, G replaced by A.
Protein change: p.Val56Ile; replaces valine 56 with isoleucine.
Molecular consequence: missense variant. On other transcripts: intron variant (1).
Genome position (GRCh38, 1-based): chr12:48,000,045, C>T on the plus strand (G>A on the coding strand, the complement: COL2A1 is on the minus strand). VCF-style: chr12-48000045-C-T. GRCh37 (hg19) VCF-style: chr12-48393828-C-T.
Other names: c.86-1614G>A (NM_033150.3); short protein forms V56I.
Identifiers: ClinVar variation 1508085 (VCV001508085.6), dbSNP rs1940157547, ClinGen allele CA384526414.

ClinVar aggregate classification (germline): Uncertain significance (1 of 4 stars; one submission).

gnomAD v4.1: 5 of 1,614,032 alleles (0.00031%); highest among the groups gnomAD compares: Middle Eastern, 0.017%; no homozygotes.

Submission:

Labcorp Genetics (formerly Invitae), Labcorp
Classification: Uncertain significance. Last evaluated: 2022-11-08. Review status: criteria provided, single submitter. Criteria: Invitae Variant Classification Sherloc (09022015). Collection method: clinical testing. Allele origin: germline.
Comment: In summary, the available evidence is currently insufficient to determine the role of this variant in disease. Therefore, it has been classified as a Variant of Uncertain Significance. Advanced modeling of protein sequence and biophysical properties (such as structural, functional, and spatial information, amino acid conservation, physicochemical variation, residue mobility, and thermodynamic stability) performed at Invitae indicates that this missense variant is not expected to disrupt COL2A1 protein function. ClinVar contains an entry for this variant (Variation ID: 1508085). This variant has not been reported in the literature in individuals affected with COL2A1-related conditions. This variant is not present in population databases (gnomAD no frequency). This sequence change replaces valine, which is neutral and non-polar, with isoleucine, which is neutral and non-polar, at codon 56 of the COL2A1 protein (p.Val56Ile).